The following is an entry in ClinVar:

ClinVar aggregate classification (germline): Uncertain significance. Review status: criteria provided, multiple submitters, no conflicts (2 of 4 stars). 3 submissions from 3 submitters: Uncertain significance (3). Last evaluated 2025-12-15.

Conditions:
Inborn genetic diseases. Identifiers: MedGen C0950123, MeSH D030342.

Allele frequency attached by ClinVar (database versions not stated): ExAC 0.00015; gnomAD 0.00040; ESP Exome Variant Server 0.00046; 1000 Genomes Project 0.00100; 1000 Genomes Project 30x 0.00141; gnomAD exomes 0.00005.
gnomAD v4.1: 133 of 1,594,832 alleles (0.0083%); highest among the groups gnomAD compares: African/African-American, 0.17%; no homozygotes.

Submissions (3):

Ambry Genetics
Classification: Uncertain significance for Inborn genetic diseases. Last evaluated: 2025-12-15. Review status: criteria provided, single submitter. Criteria: Ambry Variant Classification Scheme 2023. Collection method: clinical testing. Allele origin: germline.

Labcorp Genetics (formerly Invitae), Labcorp
Classification: Uncertain significance. Last evaluated: 2025-09-15. Review status: criteria provided, single submitter. Criteria: Invitae Variant Classification Sherloc (09022015). Collection method: clinical testing. Allele origin: germline.
Comment: This sequence change replaces alanine, which is neutral and non-polar, with serine, which is neutral and polar, at codon 1245 of the INPPL1 protein (p.Ala1245Ser). This variant is present in population databases (rs140813782, gnomAD 0.1%). This variant has not been reported in the literature in individuals affected with INPPL1-related conditions. ClinVar contains an entry for this variant (Variation ID: 2080333). Experimental studies and prediction algorithms are not available or were not evaluated, and the functional significance of this variant is currently unknown. In summary, the available evidence is currently insufficient to determine the role of this variant in disease. Therefore, it has been classified as a Variant of Uncertain Significance.

GeneDx
Classification: Uncertain significance. Last evaluated: 2023-12-05. Review status: criteria provided, single submitter. Criteria: GeneDx Variant Classification Process June 2021. Collection method: clinical testing. Allele origin: germline. Affected: yes.
Comment: In silico analysis supports that this missense variant does not alter protein structure/function; Has not been previously published as pathogenic or benign to our knowledge

NM_001567.4(INPPL1):c.3733G>T (p.Ala1245Ser)

Gene: INPPL1 (inositol polyphosphate phosphatase like 1; plus strand). Cytogenetic location: 11q13.4.
Variant type: single nucleotide variant.
Coding change: c.3733G>T on transcript NM_001567.4 (MANE Select); coding-DNA position 3733, G replaced by T.
Protein change: p.Ala1245Ser; replaces alanine 1245 with serine.
Molecular consequence: missense variant.
Genome position (GRCh38, 1-based): chr11:72,238,309, G>T. VCF-style: chr11-72238309-G-T. GRCh37 (hg19) VCF-style: chr11-71949353-G-T.
Other names: c.3733G>T (NM_001567.3); short protein forms A1245S.
Identifiers: ClinVar variation 2080333 (VCV002080333.5), dbSNP rs140813782, ClinGen allele CA6170768.
Genomic context (GRCh38, chr11:72,238,309, plus strand): 5'-GTTTTACTCCACAGTGACATCACCGAGGAGGACTTGGAGGAGGCTGGGGTGCAGGACCCG[G>T]CTCACAAGCGCCTCCTTCTGGACACCCTGCAGCTCAGCAAGTGATAGCGGAGGCACCACG-3'
Protein context (NP_001558.3, residues 1235-1255): DLEEAGVQDP[Ala1245Ser]HKRLLLDTLQ